The following is an entry in ClinVar:

NM_004168.4(SDHA):c.1946T>C (p.Leu649Ser)

Gene: SDHA (succinate dehydrogenase complex flavoprotein subunit A; plus strand). Cytogenetic location: 5p15.33.
Variant type: single nucleotide variant.
Coding change: c.1946T>C on transcript NM_004168.4 (MANE Select); coding-DNA position 1946, T replaced by C.
Protein change: p.Leu649Ser; replaces leucine 649 with serine.
Molecular consequence: missense variant.
Genome position (GRCh38, 1-based): chr5:256,371, T>C. VCF-style: chr5-256371-T-C. GRCh37 (hg19) VCF-style: chr5-256486-T-C.
Other names: c.1802T>C, p.Leu601Ser (NM_001294332.2); c.1703T>C, p.Leu568Ser (NM_001330758.2); c.1946T>C (NM_004168.2); short protein forms L568S, L601S, L649S.
Identifiers: ClinVar variation 2925973 (VCV002925973.3), dbSNP rs899598021, ClinGen allele CA112784560.

ClinVar aggregate classification (germline): Uncertain significance. Review status: criteria provided, multiple submitters, no conflicts (2 of 4 stars). 2 submissions from 2 submitters: Uncertain significance (2). Last evaluated 2026-02-09.

Conditions:
Mitochondrial complex II deficiency, nuclear type 1. Also called: SUCCINATE CoQ REDUCTASE DEFICIENCY. Identifiers: Orphanet 3208, MedGen C5700310, MONDO:0100294, OMIM 252011.
Pheochromocytoma/paraganglioma syndrome 5. Also called: Paragangliomas 5; SDHA-Related Hereditary Paraganglioma-Pheochromocytoma Syndrome. Identifiers: Orphanet 29072, MedGen C3279992, MONDO:0013602, OMIM 614165.
Hereditary cancer-predisposing syndrome. Also called: Neoplastic Syndromes, Hereditary; Tumor predisposition; Hereditary Cancer Syndrome; Hereditary neoplastic syndrome. Identifiers: Orphanet 140162, MedGen C0027672, MeSH D009386, MONDO:0015356.

Allele frequency attached by ClinVar (database versions not stated): gnomAD 0.00001; TOPMed 0.00001; gnomAD exomes 0.00002.
gnomAD v4.1: 17 of 1,611,576 alleles (0.0011%); highest among the groups gnomAD compares: Non-Finnish European, 0.0014%; no homozygotes.

Submissions (2):

Ambry Genetics
Classification: Uncertain significance for Hereditary cancer-predisposing syndrome. Last evaluated: 2026-02-09. Review status: criteria provided, single submitter. Criteria: Ambry Variant Classification Scheme 2023. Collection method: clinical testing. Allele origin: germline.
Comment: The p.L649S variant (also known as c.1946T>C), located in coding exon 15 of the SDHA gene, results from a T to C substitution at nucleotide position 1946. The leucine at codon 649 is replaced by serine, an amino acid with dissimilar properties. This amino acid position is conserved. In addition, this alteration is predicted to be deleterious by in silico analysis. Based on the available evidence, the clinical significance of this variant remains unclear.

Labcorp Genetics (formerly Invitae), Labcorp
Classification: Uncertain significance for Pheochromocytoma/paraganglioma syndrome 5; Mitochondrial complex II deficiency, nuclear type 1. Last evaluated: 2022-12-18. Review status: criteria provided, single submitter. Criteria: Invitae Variant Classification Sherloc (09022015). Collection method: clinical testing. Allele origin: germline.
Comment: In summary, the available evidence is currently insufficient to determine the role of this variant in disease. Therefore, it has been classified as a Variant of Uncertain Significance. Algorithms developed to predict the effect of missense changes on protein structure and function (SIFT, PolyPhen-2, Align-GVGD) all suggest that this variant is likely to be disruptive. This variant has not been reported in the literature in individuals affected with SDHA-related conditions. This variant is present in population databases (no rsID available, gnomAD 0.0009%). This sequence change replaces leucine, which is neutral and non-polar, with serine, which is neutral and polar, at codon 649 of the SDHA protein (p.Leu649Ser).